The following is an entry in ClinVar:

NM_018975.4(TERF2IP):c.400A>T (p.Ile134Phe)

Gene: TERF2IP (TERF2 interacting protein; plus strand). Cytogenetic location: 16q23.1.
Variant type: single nucleotide variant.
Coding change: c.400A>T on transcript NM_018975.4 (MANE Select); coding-DNA position 400, A replaced by T.
Protein change: p.Ile134Phe; replaces isoleucine 134 with phenylalanine.
Molecular consequence: missense variant. On other transcripts: non-coding transcript variant (1).
Genome position (GRCh38, 1-based): chr16:75,648,282, A>T. VCF-style: chr16-75648282-A-T. GRCh37 (hg19) VCF-style: chr16-75682180-A-T.
Other names: short protein forms I134F.
Identifiers: ClinVar variation 2563463 (VCV002563463.2), dbSNP rs2507074034, ClinGen allele CA396817822.

ClinVar aggregate classification (germline): Uncertain significance (1 of 4 stars; one submission).

Submission:

Ambry Genetics
Classification: Uncertain significance. Last evaluated: 2023-05-02. Review status: criteria provided, single submitter. Criteria: Ambry Variant Classification Scheme 2023. Collection method: clinical testing. Allele origin: germline.
Comment: The p.I134F variant (also known as c.400A>T), located in coding exon 1 of the TERF2IP gene, results from an A to T substitution at nucleotide position 400. The isoleucine at codon 134 is replaced by phenylalanine, an amino acid with highly similar properties. This amino acid position is conserved. In addition, this alteration is predicted to be tolerated by in silico analysis. Since supporting evidence is limited at this time, the clinical significance of this alteration remains unclear.